The following is an entry in ClinVar:

ClinVar aggregate classification (germline): Uncertain significance (1 of 4 stars; one submission).

Conditions:
Encephalopathy due to GLUT1 deficiency. Also called: Classic Glucose Transporter Type 1 Deficiency Syndrome; GLUCOSE TRANSPORT DEFECT, BLOOD-BRAIN BARRIER; De Vivo disease; GLUT1 deficiency syndrome 1; Glucose transporter protein syndrome; GLUT1 deficiency syndrome 1, infantile onset, severe. Identifiers: Orphanet 71277, MedGen C4551966, MONDO:0011724, OMIM 606777.
GLUT1 deficiency syndrome 1, autosomal recessive. Identifiers: MedGen C3149117.

Allele frequency attached by ClinVar (database versions not stated): TOPMed below 0.00001; gnomAD 0.00001; ExAC 0.00002; gnomAD exomes 0.00002.
gnomAD v4.1: 24 of 1,600,720 alleles (0.0015%); highest among the groups gnomAD compares: Middle Eastern, 0.016%; no homozygotes.

Submission:

Labcorp Genetics (formerly Invitae), Labcorp
Classification: Uncertain significance for GLUT1 deficiency syndrome 1, autosomal recessive. Last evaluated: 2024-09-10. Review status: criteria provided, single submitter. Criteria: Invitae Variant Classification Sherloc (09022015). Collection method: clinical testing. Allele origin: germline.
Comment: This sequence change replaces alanine, which is neutral and non-polar, with threonine, which is neutral and polar, at codon 107 of the SLC2A1 protein (p.Ala107Thr). This variant is present in population databases (rs775307302, gnomAD 0.006%). This variant has not been reported in the literature in individuals affected with SLC2A1-related conditions. ClinVar contains an entry for this variant (Variation ID: 2026341). Invitae Evidence Modeling of protein sequence and biophysical properties (such as structural, functional, and spatial information, amino acid conservation, physicochemical variation, residue mobility, and thermodynamic stability) has been performed for this missense variant. However, the output from this modeling did not meet the statistical confidence thresholds required to predict the impact of this variant on SLC2A1 protein function. In summary, the available evidence is currently insufficient to determine the role of this variant in disease. Therefore, it has been classified as a Variant of Uncertain Significance.

NM_006516.4(SLC2A1):c.319G>A (p.Ala107Thr)

Gene: SLC2A1 (solute carrier family 2 member 1; minus strand). Cytogenetic location: 1p34.2.
Variant type: single nucleotide variant.
Coding change: c.319G>A on transcript NM_006516.4 (MANE Select); coding-DNA position 319, G replaced by A.
Protein change: p.Ala107Thr; replaces alanine 107 with threonine.
Molecular consequence: missense variant.
Genome position (GRCh38, 1-based): chr1:42,930,823, C>T on the plus strand (G>A on the coding strand, the complement: SLC2A1 is on the minus strand). VCF-style: chr1-42930823-C-T. GRCh37 (hg19) VCF-style: chr1-43396494-C-T.
Other names: c.319G>A (NM_006516.2); short protein forms A107T.
Identifiers: ClinVar variation 2026341 (VCV002026341.5), dbSNP rs775307302, ClinGen allele CA803557.